The following is an entry in ClinVar:

ClinVar aggregate classification (germline): Pathogenic/Likely pathogenic. Review status: criteria provided, multiple submitters, no conflicts (2 of 4 stars). 5 submissions from 5 submitters: Pathogenic (2); Likely pathogenic (2). 1 of the submissions does not count toward it. Last evaluated 2025-12-30.

Conditions:
Autosomal dominant epilepsy with auditory features. Identifiers: Orphanet 101046, MedGen C1838062, MONDO:0010898.
Epilepsy, familial temporal lobe, 1. Identifiers: Orphanet 101046, MedGen CN030884, MONDO:0700090, OMIM 600512.
Seizure. Also called: Seizures. Identifiers: MedGen C0036572, HP:0001250.

gnomAD v4.1: 1 of 1,614,040 alleles (0.000062%); highest among the groups gnomAD compares: Non-Finnish European, 0.000085%; no homozygotes.

Submissions (5):

Labcorp Genetics (formerly Invitae), Labcorp
Classification: Likely pathogenic for Autosomal dominant epilepsy with auditory features. Last evaluated: 2025-12-30. Review status: criteria provided, single submitter. Criteria: Invitae Variant Classification Sherloc (09022015). Collection method: clinical testing. Allele origin: germline.
Comment: This sequence change replaces serine, which is neutral and polar, with leucine, which is neutral and non-polar, at codon 473 of the LGI1 protein (p.Ser473Leu). This variant is not present in population databases (gnomAD no frequency). This missense change has been observed in individuals with autosomal dominant lateral temporal lobe epilepsy (PMID: 15079010, 19780791). It has also been observed to segregate with disease in related individuals. ClinVar contains an entry for this variant (Variation ID: 208480). Invitae Evidence Modeling of protein sequence and biophysical properties (such as structural, functional, and spatial information, amino acid conservation, physicochemical variation, residue mobility, and thermodynamic stability) indicates that this missense variant is not expected to disrupt LGI1 protein function with a negative predictive value of 80%. Experimental studies have shown that this missense change affects LGI1 function (PMID: 25485908, 27760137). In summary, the currently available evidence indicates that the variant is pathogenic, but additional data are needed to prove that conclusively. Therefore, this variant has been classified as Likely Pathogenic.

Variantyx, Inc.
Classification: Pathogenic for Epilepsy, familial temporal lobe, 1. Last evaluated: 2025-09-04. Review status: criteria provided, single submitter. Criteria: Variantyx Assertion Criteria 2022. Collection method: clinical testing. Allele origin: germline. Inheritance: Autosomal dominant inheritance. Affected: no.
Comment: This is a nonsynonymous variant in the LGI1 gene (OMIM: 604619). Pathogenic variants in this gene have been associated with autosomal dominant familial temporal lobe epilepsy 1. This variant has been reported in at least two unrelated affected individuals (PMID: 15079010, 29034879) (PS4_Moderate) and it has been observed to segregate with disease in at least 3 individuals from one family (PMID: 15079010) (PP1). Functional studies have shown that this variant alters LGI1 protein function (PMID: 25485908) (PS3) and multiple computational algorithms predict a deleterious effect for this variant (REVEL score: 0.89) (PP3). This variant has a 0.0001% maximum allele frequency in non-founder control populations (PM2). Inheritance from an unaffected parent or a parent with unknown affected status has been reported, consistent with incomplete penetrance (PMID: 18711109).Based on the current evidence, this variant is classified as pathogenic for autosomal dominant familial temporal lobe epilepsy 1 .

Division of Genetic & Genomic Pathology, Hong Kong Children's Hospital
Classification: Likely pathogenic for Epilepsy, familial temporal lobe, 1. Last evaluated: 2024-02-29. Review status: criteria provided, single submitter. Criteria: ACMG Guidelines, 2015. Collection method: clinical testing. Allele origin: germline. Affected: yes.
Comment: LGI1 c.1418C>T p.(Ser473Leu) is a missense variant located in exon 8 of LGI1 gene. The variant is present in control populations at an extremely low allele frequency (gnomAD v4.0.0: non-Finnish European 1/761,878 and absent in other populations). LGI1 c.1418C>T p.(Ser473Leu) has been reported in patients affected by autosomal dominant lateral temporal lobe epilepsy (PMID: 15079010, 19780791). The variant is reported in ClinVar as likely pathogenic (Accession: VCV000208480.4). Experimental studies have shown that this missense change affects LGI1 function (PMID: 25485908, 27760137). For these reasons, the variant is classified as likely pathogenic.

Cytogénomique, Hospices Civils de Lyon
Classification: Pathogenic for Seizures. Last evaluated: 2023-11-27. Review status: criteria provided, single submitter. Criteria: ACMG Guidelines, 2015. Collection method: clinical testing. Allele origin: unknown. Affected: yes. Observed: 1 variant allele, 1 compound heterozygote.

GeneReviews
No classification provided. Condition: Epilepsy, familial temporal lobe, 1. Review status: no classification provided. Collection method: literature only. Allele origin: germline. Affected: yes. Not counted in ClinVar's aggregate classification.

Literature cited by the submitters: PubMed 15079010 (cited by 3 submitters); PubMed 19780791 (cited by Labcorp Genetics (formerly Invitae), Labcorp); PubMed 25485908 (cited by 3 submitters); PubMed 27760137 (cited by Labcorp Genetics (formerly Invitae), Labcorp and Division of Genetic & Genomic Pathology, Hong Kong Children's Hospital); PubMed 29034879 (cited by Variantyx, Inc.); NCBI Bookshelf NBK1537 (cited by GeneReviews).

NM_005097.4(LGI1):c.1418C>T (p.Ser473Leu)

Gene: LGI1 (leucine rich glioma inactivated 1; plus strand). Cytogenetic location: 10q23.33.
Variant type: single nucleotide variant.
Coding change: c.1418C>T on transcript NM_005097.4 (MANE Select); coding-DNA position 1418, C replaced by T.
Protein change: p.Ser473Leu; replaces serine 473 with leucine.
Molecular consequence: missense variant. On other transcripts: non-coding transcript variant (1), intron variant (1).
Genome position (GRCh38, 1-based): chr10:93,797,547, C>T. VCF-style: chr10-93797547-C-T. GRCh37 (hg19) VCF-style: chr10-95557304-C-T.
Other names: c.1274C>T, p.Ser425Leu (NM_001308276.2); c.839-202C>T (NM_001308275.2); short protein forms S473L, S425L.
Identifiers: ClinVar variation 208480 (VCV000208480.9), dbSNP rs797044999, ClinGen allele CA347350.